The following is an entry in ClinVar:

NM_001374828.1(ARID1B):c.5047C>T (p.Gln1683Ter)

Gene: ARID1B (AT-rich interaction domain 1B; plus strand). Cytogenetic location: 6q25.3.
Variant type: single nucleotide variant.
Coding change: c.5047C>T on transcript NM_001374828.1 (MANE Select); coding-DNA position 5047, C replaced by T.
Protein change: p.Gln1683Ter; replaces glutamine 1683 with a stop codon.
Molecular consequence: nonsense.
Genome position (GRCh38, 1-based): chr6:157,201,272, C>T. VCF-style: chr6-157201272-C-T. GRCh37 (hg19) VCF-style: chr6-157522406-C-T.
Other names: c.4798C>T, p.Gln1600Ter (NM_001346813.1); c.2548C>T, p.Gln850Ter (NM_001363725.2); c.4927C>T, p.Gln1643Ter (NM_001371656.1, NM_001374820.1); c.4888C>T, p.Gln1630Ter (NM_017519.3); c.4678C>T, p.Gln1560Ter (NM_020732.3); c.4465C>T, p.Gln1489Ter (NM_175863.2); short protein forms Q1489*, Q1560*, Q1600*, Q1630*, Q1643*, Q1683*, Q850*.
Identifiers: ClinVar variation 1709913 (VCV001709913.10), dbSNP rs1554235916, ClinGen allele CA366242378.
Genomic context (GRCh38, chr6:157,201,272, plus strand): 5'-TACCAGACGCCACCGTCACTGCCAAATCACATCTCCAGGGCGCCCAGCCCAGCGTCCTTC[C>T]AGCGCTCCCTGGAGAACCGCATGTCTCCAAGCAAGTCTCCTTTTCTGCCGTCTATGAAGA-3'

ClinVar aggregate classification (germline): Pathogenic/Likely pathogenic. Review status: criteria provided, multiple submitters, no conflicts (2 of 4 stars). 3 submissions from 3 submitters: Pathogenic (2); Likely pathogenic (1). Last evaluated 2024-02-23.

Conditions:
Coffin-Siris syndrome 1 (CSS1). Also called: Mental retardation, autosomal dominant 12; ARID1B-Related Coffin-Siris Syndrome. Identifiers: Orphanet 1465, MedGen C3281201, MONDO:0007617, OMIM 135900. Disease mechanism: gain of function.

Submissions (3):

Labcorp Genetics (formerly Invitae), Labcorp
Classification: Pathogenic. Last evaluated: 2024-02-23. Review status: criteria provided, single submitter. Criteria: Invitae Variant Classification Sherloc (09022015). Collection method: clinical testing. Allele origin: germline.
Comment: This sequence change creates a premature translational stop signal (p.Gln1560*) in the ARID1B gene. It is expected to result in an absent or disrupted protein product. Loss-of-function variants in ARID1B are known to be pathogenic (PMID: 25674384, 30349098). This variant is not present in population databases (gnomAD no frequency). This premature translational stop signal has been observed in individual(s) with clinical features of Coffin-Siris syndrome (PMID: 30349098). ClinVar contains an entry for this variant (Variation ID: 1709913). For these reasons, this variant has been classified as Pathogenic.

GeneDx
Classification: Pathogenic. Last evaluated: 2023-01-09. Review status: criteria provided, single submitter. Criteria: GeneDx Variant Classification Process June 2021. Collection method: clinical testing. Allele origin: germline. Affected: yes.
Comment: Nonsense variant predicted to result in protein truncation or nonsense mediated decay in a gene for which loss of function is a known mechanism of disease; Not observed at significant frequency in large population cohorts (gnomAD); Identified in an individual with intellectual disability in published literature, however familial segregation and clinical information were not provided (van der Sluijs PJ et al., 2019); This variant is associated with the following publications: (PMID: 30349098)

MGZ Medical Genetics Center
Classification: Likely pathogenic for Coffin-Siris syndrome 1. Last evaluated: 2021-09-01. Review status: criteria provided, single submitter. Criteria: ACMG Guidelines, 2015. Collection method: clinical testing. Allele origin: germline. Affected: yes. Observed: 1 variant allele.
Comment: ACMG criteria applied: PVS1, PM2_SUP

Literature cited by the submitters: PubMed 25674384 (cited by Labcorp Genetics (formerly Invitae), Labcorp); PubMed 30349098 (cited by Labcorp Genetics (formerly Invitae), Labcorp).